The following is an entry in ClinVar:

NM_001134831.2(AHI1):c.11-45T>C

Gene: AHI1 (Abelson helper integration site 1; minus strand). Cytogenetic location: 6q23.3.
Variant type: single nucleotide variant.
Coding change: c.11-45T>C on transcript NM_001134831.2 (MANE Select); 45 bases into the intron before coding-DNA position 11, T replaced by C.
Molecular consequence: intron variant.
Genome position (GRCh38, 1-based): chr6:135,490,792, A>G on the plus strand (T>C on the coding strand, the complement: AHI1 is on the minus strand). VCF-style: chr6-135490792-A-G. GRCh37 (hg19) VCF-style: chr6-135811930-A-G.
Other names: c.11-45T>C (NM_001134830.2, NM_001350503.2, NM_017651.5 and 2 more transcripts).
Identifiers: ClinVar variation 260836 (VCV000260836.2), dbSNP rs146965488, ClinGen allele CA4012987.

ClinVar aggregate classification (germline): Likely benign. Review status: criteria provided, multiple submitters, no conflicts (2 of 4 stars). 2 submissions from 2 submitters: Likely benign (2). Last evaluated 2018-06-16.

Allele frequency attached by ClinVar (database versions not stated): gnomAD exomes 0.00032 and 0.00087; ExAC 0.00106; gnomAD 0.00319 and 0.00339; 1000 Genomes Project 0.00359; TOPMed 0.00402; ESP Exome Variant Server 0.00447; 1000 Genomes Project 30x 0.00453.
gnomAD v4.1: 959 of 1,604,500 alleles (0.06%); highest among the groups gnomAD compares: African/African-American, 1.1%; 4 homozygotes.

Submissions (2):

GeneDx
Classification: Likely benign. Last evaluated: 2018-06-16. Review status: criteria provided, single submitter. Criteria: GeneDx Variant Classification (06012015). Collection method: clinical testing. Allele origin: germline. Affected: yes.
Comment: This variant is considered likely benign or benign based on one or more of the following criteria: it is a conservative change, it occurs at a poorly conserved position in the protein, it is predicted to be benign by multiple in silico algorithms, and/or has population frequency not consistent with disease.

PreventionGenetics, part of Exact Sciences
Classification: Likely benign. Review status: criteria provided, single submitter. Criteria: ACMG Guidelines, 2015. Collection method: clinical testing. Allele origin: germline.